The following is an entry in ClinVar:

ClinVar aggregate classification (germline): Pathogenic. Review status: reviewed by expert panel (3 of 4 stars). 10 submissions from 10 submitters: Pathogenic (1). 9 of the submissions do not count toward it. Last evaluated 2023-10-26.

Conditions:
Cerebral creatine deficiency syndrome. Also called: Creatine deficiency syndromes. Identifiers: Orphanet 79172, MedGen C5244016, MONDO:0000456.
GAMT-related disorder. Also called: GAMT-related condition.
Deficiency of guanidinoacetate methyltransferase (CCDS2). Also called: CEREBRAL CREATINE DEFICIENCY SYNDROME 2; Guanidinoacetate Methyltransferase (GAMT) Deficiency; GAMT DEFICIENCY. Identifiers: Orphanet 382, MedGen C0574080, MONDO:0012999, OMIM 612736.

Allele frequency attached by ClinVar (database versions not stated): gnomAD 0.00001; TOPMed 0.00002; ESP Exome Variant Server 0.00008.
gnomAD v4.1: 19 of 1,613,534 alleles (0.0012%); highest among the groups gnomAD compares: South Asian, 0.0033%; no homozygotes.

Submissions (10):

ClinGen Cerebral Creatine Deficiency Syndromes Variant Curation Expert Panel, ClinGen
Classification: Pathogenic for Deficiency of guanidinoacetate methyltransferase. Last evaluated: 2023-10-26. Review status: reviewed by expert panel. Criteria: ClinGen_CCDS_ACMG_Specifications_GAMT_v1.1. Collection method: curation. Allele origin: germline. Inheritance: Autosomal recessive inheritance.
Comment: The NM_000156.6:c.407C>T variant in GAMT is a missense variant predicted to cause substitution of threonine by methionine at amino acid 136 (p.Thr136Met). This variant has been detected in 3 unrelated individuals with GAMT deficiency (PMID: 24415674, PMID: 21140503, ClinVar SCV001428825.1). Of those individuals, two were compound heterozygous for the variant and a pathogenic variant, c.316C>T (p.Q106*) in unknown phase (PMID: 24415674, PMID: 21140503) and 1 was homozygous for the variant (ClinVar SCV001428825.1) (1.5pts total, PM3). One of these individuals had elevated GAA in plasma, deficient GAMT enzyme activity (<5% wild-type enzyme) in fibroblasts, and significantly reduced creatine peak on brain MRS (PMID: 21140503) and one individual had an absent creatine peak with visible GAA peak on brain MRS (PMID: 24415674) (PP4_Strong). Expression of the variant in GAMT-deficient fibroblasts resulted in <5% wild type GAMT activity indicating that this variant may impact protein function (PMID: 24415674)(PS3_Supporting). The highest population minor allele frequency in gnomAD v2.1.1 is 0.000009 (1/113420 alleles) in the European (non-Finnish) population, which is lower than the ClinGen CCDS VCEP’s threshold for PM2_Supporting (<0.0004), meeting this criterion (PM2_Supporting). The computational predictor REVEL gives a score of 0.976 which is above the threshold of 0.75, evidence that correlates with impact to GAMT function (PP3_Moderate). There is a ClinVar entry for this variant (Variation ID: 544257). In summary, this variant meets the criteria to be classified as pathogenic for GAMT deficiency based on the ACMG/AMP criteria applied, as specified by the ClinGen Cerebral Creatine Deficiency Syndromes Variant Curation Expert Panel (Specifications Version 1.1.0): PP4_Strong, PM3, PP3_Moderate, PS3_Supporting, PM2_Supporting. (Classification approved by the ClinGen CCDS VCEP on Oct. 2026, 2023)

PreventionGenetics, part of Exact Sciences
Classification: Pathogenic for GAMT-related condition. Last evaluated: 2026-08-05. Review status: criteria provided, single submitter. Criteria: ACMG Guidelines, 2015. Collection method: clinical testing. Allele origin: germline. Not counted in ClinVar's aggregate classification.
Comment: The GAMT c.407C>T variant is predicted to result in the amino acid substitution p.Thr136Met. This variant has been reported in the compound heterozygous state in two individuals with GAMT deficiency (Sempere et al. 2009. PubMed ID: 19892372; Mercimek-Mahmutoglu et al. 2014. PubMed ID: 24415674). In vitro experimental studies suggest this variant results in very low residual GAMT enzyme activity (Mercimek-Mahmutoglu et al. 2014. PubMed ID: 24415674). This variant is reported in 0.00088% of alleles in individuals of European (Non-Finnish) descent in gnomAD. This variant is interpreted as pathogenic.

Institute of Human Genetics, University of Leipzig Medical Center
Classification: Pathogenic for Deficiency of guanidinoacetate methyltransferase. Last evaluated: 2026-04-13. Review status: criteria provided, single submitter. Criteria: ACMG Guidelines, 2015. Collection method: clinical testing. Allele origin: inherited. Inheritance: Autosomal recessive inheritance. Affected: yes. Not counted in ClinVar's aggregate classification.
Comment: Criteria applied: PS3_SUP,PM2_SUP, PM3_STR,PP3_STR,PP4_STR

Labcorp Genetics (formerly Invitae), Labcorp
Classification: Pathogenic for Cerebral creatine deficiency syndrome. Last evaluated: 2026-01-27. Review status: criteria provided, single submitter. Criteria: Invitae Variant Classification Sherloc (09022015). Collection method: clinical testing. Allele origin: germline. Not counted in ClinVar's aggregate classification.
Comment: This sequence change replaces threonine, which is neutral and polar, with methionine, which is neutral and non-polar, at codon 136 of the GAMT protein (p.Thr136Met). This variant is present in population databases (rs374724533, gnomAD 0.0009%). This missense change has been observed in individual(s) with guanidinoacetate methyltransferase (GAMT) deficiency (PMID: 19892372, 24415674; internal data). In at least one individual the data is consistent with being in trans (on the opposite chromosome) from a pathogenic variant. ClinVar contains an entry for this variant (Variation ID: 544257). Invitae Evidence Modeling of protein sequence and biophysical properties (such as structural, functional, and spatial information, amino acid conservation, physicochemical variation, residue mobility, and thermodynamic stability) indicates that this missense variant is expected to disrupt GAMT protein function with a positive predictive value of 95%. Experimental studies have shown that this missense change affects GAMT function (PMID: 24415674). For these reasons, this variant has been classified as Pathogenic.

3billion
Classification: Likely pathogenic for Deficiency of guanidinoacetate methyltransferase. Last evaluated: 2025-12-23. Review status: criteria provided, single submitter. Criteria: ACMG Guidelines, 2015. Collection method: clinical testing. Allele origin: germline. Affected: yes. Not counted in ClinVar's aggregate classification.
Comment: The variant is observed at an extremely low frequency in the gnomAD v4.1.0 dataset (total allele frequency: 0.001%). Predicted Consequence/Location: Missense variant In silico tool predictions suggest damaging effect of the variant on gene or gene product [REVEL: 0.98 (>=0.6, sensitivity 0.68 and specificity 0.92); 3Cnet: 0.79 (> 0.75, sensitivity 0.96 and precision 0.92)]. The same nucleotide change resulting in the same amino acid change has been previously reported as pathogenic/likely pathogenic with strong evidence (ClinVar ID: VCV000544257 /PMID: 19892372). Therefore, this variant is classified as Likely pathogenic according to the recommendation of ACMG/AMP guideline.

First Genomix Gene Laboratory, Genetic Diagnostics Department
Classification: Pathogenic for Deficiency of guanidinoacetate methyltransferase. Last evaluated: 2025-09-19. Review status: criteria provided, single submitter. Criteria: ACMG Guidelines, 2015. Collection method: clinical testing. Allele origin: germline. Inheritance: Autosomal recessive inheritance. Affected: no. Observed: 1 variant allele. Not counted in ClinVar's aggregate classification.

Natera, Inc.
Classification: Pathogenic for Guanidinoacetate methyltransferase deficiency. Last evaluated: 2025-08-23. Review status: criteria provided, single submitter. Criteria: Natera Variant Classification Schema (03/2026). Collection method: clinical testing. Allele origin: germline. Not counted in ClinVar's aggregate classification.
Comment: The c.407C>T variant in GAMT is a missense variant predicted to cause substitution of threonine to methionine at amino acid 136. This variant is rare in the general population with a frequency below the threshold expected for the associated phenotype(s). This variant has been observed in one or more individuals affected with the associated recessive disease, as either homozygous or compound heterozygous with a second variant (PMID: 19892372, 24415674). Functional studies show that this variant may disrupt protein function (PMID: 24415674). Computational prediction algorithms indicate this variant is likely to affect gene or protein function. Given the available evidence, this variant is classified as Pathogenic.

GeneDx
Classification: Pathogenic. Last evaluated: 2024-11-20. Review status: criteria provided, single submitter. Criteria: GeneDx Variant Classification Process June 2021. Collection method: clinical testing. Allele origin: germline. Affected: yes. Not counted in ClinVar's aggregate classification.
Comment: Published functional studies found this variant is associated with significantly reduced GAMT activity (PMID: 24415674); Not observed at significant frequency in large population cohorts (gnomAD); In silico analysis supports that this missense variant has a deleterious effect on protein structure/function; This variant is associated with the following publications: (PMID: 21140503, 19892372, 26003046, 24415674, 38020815, 39006040)

Fulgent Genetics
Classification: Likely pathogenic for Deficiency of guanidinoacetate methyltransferase. Last evaluated: 2021-11-06. Review status: criteria provided, single submitter. Criteria: ACMG Guidelines, 2015. Collection method: clinical testing. Allele origin: unknown. Not counted in ClinVar's aggregate classification.

Broad Center for Mendelian Genomics, Broad Institute of MIT and Harvard
Classification: Likely pathogenic for Cerebral creatine deficiency syndrome. Last evaluated: 2021-11-02. Review status: criteria provided, single submitter. Criteria: ACMG Guidelines, 2015. Collection method: curation. Allele origin: germline. Inheritance: Autosomal recessive inheritance. Not counted in ClinVar's aggregate classification.
Comment: The p.Thr136Met variant in GAMT has been reported in 3 individuals with cerebral creatine deficiency syndrome (PMID: 19892372, 24415674, ClinVar) and has been identified in 0.0009% (1/113420) of European (non-Finnish) chromosomes by the Genome Aggregation Database (gnomAD; dbSNP ID: rs374724533). Although this variant has been seen in the general population in a heterozygous state, its frequency is low enough to be consistent with a recessive carrier frequency. This variant has also been reported in ClinVar (Variation ID#: 544257) and has been interpreted as likely pathogenic by Institute of Human Genetics (University of Leipzig Medical Center), Invitae, and Natera, Inc., and as pathogenic by GeneDx. Of the 3 affected individuals, 1 of those were homozygote, and 2 were compound heterozygotes that carried a reported likely pathogenic variant with unknown phase, which increases the likelihood that the p.Thr136Met variant is pathogenic (PMID: 19892372, 24415674, ClinVar). In vitro functional studies provide some evidence that the p.Thr136Met variant may slightly impact protein function (PMID: 24415674). However, these types of assays may not accurately represent biological function. Computational prediction tools and conservation analyses suggest that this variant may impact the protein, though this information is not predictive enough to determine pathogenicity. The phenotype of individuals compound heterozygous for this variant is highly specific for cerebral creatine deficiency syndrome based on strict biochemical investigations consistent with disease (PMID: 19892372, 24415674). In summary, although additional studies are required to fully establish its clinical significance, this variant is likely pathogenic for autosomal recessive cerebral creatine deficiency syndrome. ACMG/AMP Criteria applied: PP4_strong, PM3, PS3_supporting, PM2_supporting, PP3 (Richards 2015).

Literature cited by the submitters: PubMed 24415674 (cited by 3 submitters); PubMed 19892372 (cited by 3 submitters).

NM_000156.6(GAMT):c.407C>T (p.Thr136Met)

Gene: GAMT (guanidinoacetate N-methyltransferase; minus strand). Cytogenetic location: 19p13.3.
Variant type: single nucleotide variant.
Coding change: c.407C>T on transcript NM_000156.6 (MANE Select); coding-DNA position 407, C replaced by T.
Protein change: p.Thr136Met; replaces threonine 136 with methionine.
Molecular consequence: missense variant.
Genome position (GRCh38, 1-based): chr19:1,399,180, G>A on the plus strand (C>T on the coding strand, the complement: GAMT is on the minus strand). VCF-style: chr19-1399180-G-A. GRCh37 (hg19) VCF-style: chr19-1399179-G-A.
Other names: NM_000156.6(GAMT):c.407C>T; p.Thr136Met; c.407C>T, p.Thr136Met (NM_138924.3); short protein forms T136M.
Identifiers: ClinVar variation 544257 (VCV000544257.36), dbSNP rs374724533, ClinGen allele CA9043669.